The following is an entry in ClinVar:

NM_177438.3(DICER1):c.3697G>T (p.Asp1233Tyr)

Gene: DICER1 (dicer 1, ribonuclease III; minus strand). Cytogenetic location: 14q32.13.
Variant type: single nucleotide variant.
Coding change: c.3697G>T on transcript NM_177438.3 (MANE Select); coding-DNA position 3697, G replaced by T.
Protein change: p.Asp1233Tyr; replaces aspartic acid 1233 with tyrosine.
Molecular consequence: missense variant. On other transcripts: non-coding transcript variant (6).
Genome position (GRCh38, 1-based): chr14:95,103,699, C>A on the plus strand (G>T on the coding strand, the complement: DICER1 is on the minus strand). VCF-style: chr14-95103699-C-A. GRCh37 (hg19) VCF-style: chr14-95570036-C-A.
Other names: c.3697G>T, p.Asp1233Tyr (NM_001195573.1, NM_001271282.3, NM_001291628.2 and 13 more transcripts); c.3415G>T, p.Asp1139Tyr (NM_001395686.1); c.3292G>T, p.Asp1098Tyr (NM_001395687.1, NM_001395688.1, NM_001395689.1 and 2 more transcripts); c.3130G>T, p.Asp1044Tyr (NM_001395691.1); c.2014G>T, p.Asp672Tyr (NM_001395697.1); short protein forms D1139Y, D1098Y, D1233Y, D672Y, D1044Y.
Identifiers: ClinVar variation 2713400 (VCV002713400.3), dbSNP rs1454503348, ClinGen allele CA390874305.

ClinVar aggregate classification (germline): Uncertain significance (1 of 4 stars; one submission).

Conditions:
DICER1-related tumor predisposition. Also called: DICER1 syndrome; DICER1-related pleuropulmonary blastoma cancer predisposition syndrome. Identifiers: Orphanet 284343, MedGen C3839822, MONDO:0100216.

Submission:

Labcorp Genetics (formerly Invitae), Labcorp
Classification: Uncertain significance for DICER1-related tumor predisposition. Last evaluated: 2024-01-27. Review status: criteria provided, single submitter. Criteria: Invitae Variant Classification Sherloc (09022015). Collection method: clinical testing. Allele origin: germline.
Comment: This sequence change replaces aspartic acid, which is acidic and polar, with tyrosine, which is neutral and polar, at codon 1233 of the DICER1 protein (p.Asp1233Tyr). This variant is not present in population databases (gnomAD no frequency). This variant has not been reported in the literature in individuals affected with DICER1-related conditions. An algorithm developed to predict the effect of missense changes on protein structure and function (PolyPhen-2) suggests that this variant is likely to be tolerated. In summary, the available evidence is currently insufficient to determine the role of this variant in disease. Therefore, it has been classified as a Variant of Uncertain Significance.